The following is an entry in ClinVar:

ClinVar aggregate classification (germline): Uncertain significance (1 of 4 stars; one submission).

Conditions:
Legius syndrome. Identifiers: Orphanet 137605, MedGen C1969623, MONDO:0012669, OMIM 611431. Disease mechanism: loss of function.

Allele frequency attached by ClinVar (database versions not stated): gnomAD exomes below 0.00001.
gnomAD v4.1: 4 of 1,613,950 alleles (0.00025%); highest among the groups gnomAD compares: Non-Finnish European, 0.00025%; no homozygotes.

Submission:

Labcorp Genetics (formerly Invitae), Labcorp
Classification: Uncertain significance for Legius syndrome. Last evaluated: 2025-05-27. Review status: criteria provided, single submitter. Criteria: Invitae Variant Classification Sherloc (09022015). Collection method: clinical testing. Allele origin: germline.
Comment: This sequence change replaces aspartic acid, which is acidic and polar, with glycine, which is neutral and non-polar, at codon 96 of the SPRED1 protein (p.Asp96Gly). This variant is not present in population databases (gnomAD no frequency). This variant has not been reported in the literature in individuals affected with SPRED1-related conditions. ClinVar contains an entry for this variant (Variation ID: 536692). Invitae Evidence Modeling incorporating data from in vitro experimental studies (internal data) indicates that this missense variant is not expected to disrupt SPRED1 function with a negative predictive value of 95%. In summary, the available evidence is currently insufficient to determine the role of this variant in disease. Therefore, it has been classified as a Variant of Uncertain Significance.

NM_152594.3(SPRED1):c.287A>G (p.Asp96Gly)

Gene: SPRED1 (sprouty related EVH1 domain containing 1; plus strand). Cytogenetic location: 15q14.
Variant type: single nucleotide variant.
Coding change: c.287A>G on transcript NM_152594.3 (MANE Select); coding-DNA position 287, A replaced by G.
Protein change: p.Asp96Gly; replaces aspartic acid 96 with glycine.
Molecular consequence: missense variant.
Genome position (GRCh38, 1-based): chr15:38,322,320, A>G. VCF-style: chr15-38322320-A-G. GRCh37 (hg19) VCF-style: chr15-38614521-A-G.
Other names: short protein forms D96G.
Identifiers: ClinVar variation 536692 (VCV000536692.11), dbSNP rs1555391039, ClinGen allele CA391932066.
Genomic context (GRCh38, chr15:38,322,320, plus strand): 5'-TTAAAAAAGACCTCATTTATAATAAGGTCACTCCAACATTTCACCACTGGAAGATTGATG[A>G]CAAGAAGTTTGGTCTTACGTTTCAAAGTCCTGCTGATGCTAGGGCTTTTGATAGAGGTAT-3'
Protein context (NP_689807.1, residues 86-106): TPTFHHWKID[Asp96Gly]KKFGLTFQSP